The following is an entry in ClinVar:

ClinVar aggregate classification (germline): Uncertain significance (1 of 4 stars; one submission).

Allele frequency attached by ClinVar (database versions not stated): gnomAD exomes below 0.00001.
gnomAD v4.1: 1 of 1,614,032 alleles (0.000062%); highest among the groups gnomAD compares: Non-Finnish European, 0.000085%; no homozygotes.

Submission:

Labcorp Genetics (formerly Invitae), Labcorp
Classification: Uncertain significance. Last evaluated: 2024-11-05. Review status: criteria provided, single submitter. Criteria: Invitae Variant Classification Sherloc (09022015). Collection method: clinical testing. Allele origin: germline.
Comment: This sequence change replaces glutamic acid, which is acidic and polar, with glycine, which is neutral and non-polar, at codon 124 of the CFI protein (p.Glu124Gly). This variant is not present in population databases (gnomAD no frequency). This variant has not been reported in the literature in individuals affected with CFI-related conditions. ClinVar contains an entry for this variant (Variation ID: 2738117). Invitae Evidence Modeling of protein sequence and biophysical properties (such as structural, functional, and spatial information, amino acid conservation, physicochemical variation, residue mobility, and thermodynamic stability) indicates that this missense variant is not expected to disrupt CFI protein function with a negative predictive value of 95%. In summary, the available evidence is currently insufficient to determine the role of this variant in disease. Therefore, it has been classified as a Variant of Uncertain Significance.

NM_000204.5(CFI):c.371A>G (p.Glu124Gly)

Gene: CFI (complement factor I; minus strand). Cytogenetic location: 4q25.
Variant type: single nucleotide variant.
Coding change: c.371A>G on transcript NM_000204.5 (MANE Select); coding-DNA position 371, A replaced by G.
Protein change: p.Glu124Gly; replaces glutamic acid 124 with glycine.
Molecular consequence: missense variant. On other transcripts: non-coding transcript variant (3), intron variant (1).
Genome position (GRCh38, 1-based): chr4:109,764,648, T>C on the plus strand (A>G on the coding strand, the complement: CFI is on the minus strand). VCF-style: chr4-109764648-T-C. GRCh37 (hg19) VCF-style: chr4-110685804-T-C.
Other names: c.371A>G, p.Glu124Gly (NM_001318057.2, NM_001331035.2, NM_001375278.1 and 5 more transcripts); c.-127-2956A>G (NM_001375284.1); short protein forms E124G.
Identifiers: ClinVar variation 2738117 (VCV002738117.3), dbSNP rs2545450491, ClinGen allele CA357864066.